The following is an entry in ClinVar:

ClinVar aggregate classification (germline): Uncertain significance (1 of 4 stars; one submission).

Conditions:
Inborn genetic diseases. Identifiers: MedGen C0950123, MeSH D030342.

gnomAD v4.1: 3 of 1,594,366 alleles (0.00019%); highest among the groups gnomAD compares: Admixed American, 0.005%; no homozygotes.

Submission:

Ambry Genetics
Classification: Uncertain significance for Inborn genetic diseases. Last evaluated: 2026-01-26. Review status: criteria provided, single submitter. Criteria: Ambry Variant Classification Scheme 2023. Collection method: clinical testing. Allele origin: germline.
Comment: The c.2061G>C (p.M687I) alteration is located in exon 19 (coding exon 15) of the KRIT1 gene. This alteration results from a G to C substitution at nucleotide position 2061, causing the methionine (M) at amino acid position 687 to be replaced by an isoleucine (I). Based on data from gnomAD, the C allele has an overall frequency of <0.001% (1/251180) total alleles studied. The highest observed frequency was 0.003% (1/34568) of Latino alleles. Based on insufficient or conflicting evidence, the clinical significance of this alteration remains unclear.

NM_194454.3(KRIT1):c.2061G>C (p.Met687Ile)

Gene: KRIT1 (KRIT1 ankyrin repeat containing; minus strand). Cytogenetic location: 7q21.2.
Variant type: single nucleotide variant.
Coding change: c.2061G>C on transcript NM_194454.3 (MANE Select); coding-DNA position 2061, G replaced by C.
Protein change: p.Met687Ile; replaces methionine 687 with isoleucine.
Molecular consequence: missense variant.
Genome position (GRCh38, 1-based): chr7:92,201,388, C>G on the plus strand (G>C on the coding strand, the complement: KRIT1 is on the minus strand). VCF-style: chr7-92201388-C-G. GRCh37 (hg19) VCF-style: chr7-91830702-C-G.
Other names: c.1917G>C, p.Met639Ile (NM_001013406.2, NM_001350669.1, NM_001350670.1); c.1347G>C, p.Met449Ile (NM_001350671.1); c.2061G>C, p.Met687Ile (NM_001350672.1, NM_001350673.1, NM_001350674.1 and 26 more transcripts); short protein forms M639I, M687I, M449I.
Identifiers: ClinVar variation 4832641 (VCV004832641.1).
Genomic context (GRCh38, chr7:92,201,388, plus strand): 5'-GCTCATTTTATTTTCCATGCTATGGATCTGAAAACAAGTATCAGTATCTCCCAATTGCCA[C>G]ATAAAACAACCATACTTAAGACTGATGAGTAAAGCCTGCAACATAATTGGAAACAACTAT-3'
Protein context (NP_919436.1, residues 677-697): LLISLKYGCF[Met687Ile]WQLGDTDTCF